The following is an entry in ClinVar:

ClinVar aggregate classification (germline): Uncertain significance. Review status: criteria provided, multiple submitters, no conflicts (2 of 4 stars). 2 submissions from 2 submitters: Uncertain significance (2). Last evaluated 2025-01-31.

Conditions:
Cerebrooculofacioskeletal syndrome 1 (COFS1). Also called: Cerebro-oculo-facio-skeletal syndrome 1. Identifiers: MedGen C0220722, MONDO:0008955, OMIM 214150.

Submissions (2):

Women's Health and Genetics/Laboratory Corporation of America, LabCorp
Classification: Uncertain significance. Last evaluated: 2025-01-31. Review status: criteria provided, single submitter. Criteria: LabCorp Variant Classification Summary - May 2015. Collection method: clinical testing. Allele origin: germline.
Comment: Variant summary: ERCC6 c.2523G>T (p.Met841Ile) results in a conservative amino acid change located in the C-terminal helicase domain (IPR049730) of the encoded protein sequence. Four of five in-silico tools predict a damaging effect of the variant on protein function. The variant was absent in 251376 control chromosomes. The available data on variant occurrences in the general population are insufficient to allow any conclusion about variant significance. c.2523G>T has been reported in the literature in a homozygous individual affected with intellectual disability, however no further phenotype details were provided (Al-Kasbi_2022). These report(s) do not provide unequivocal conclusions about association of the variant with Cockayne Syndrome. To our knowledge, no experimental evidence demonstrating an impact on protein function has been reported. The following publication have been ascertained in the context of this evaluation (PMID: 36344539). ClinVar contains an entry for this variant (Variation ID: 1706464). Based on the evidence outlined above, the variant was classified as uncertain significance.

Department of Genetics, Sultan Qaboos University Hospital
Classification: Uncertain significance for Cerebrooculofacioskeletal syndrome 1. Last evaluated: 2022-06-30. Review status: criteria provided, single submitter. Criteria: ACMG Guidelines, 2015. Collection method: clinical testing. Allele origin: germline.

Literature cited by the submitters: PubMed 36344539 (cited by Women's Health and Genetics/Laboratory Corporation of America, LabCorp).

NM_000124.4(ERCC6):c.2523G>T (p.Met841Ile)

Gene: ERCC6 (ERCC excision repair 6, chromatin remodeling factor; minus strand). Cytogenetic location: 10q11.23.
Variant type: single nucleotide variant.
Coding change: c.2523G>T on transcript NM_000124.4 (MANE Select); coding-DNA position 2523, G replaced by T.
Protein change: p.Met841Ile; replaces methionine 841 with isoleucine.
Molecular consequence: missense variant.
Genome position (GRCh38, 1-based): chr10:49,474,102, C>A on the plus strand (G>T on the coding strand, the complement: ERCC6 is on the minus strand). VCF-style: chr10-49474102-C-A. GRCh37 (hg19) VCF-style: chr10-50682148-C-A.
Other names: c.2523G>T, p.Met841Ile (NM_001346440.2); short protein forms M841I.
Identifiers: ClinVar variation 1706464 (VCV001706464.5), dbSNP rs2495984704, ClinGen allele CA376721422.